The following is an entry in ClinVar:

NM_002299.4(LCT):c.454G>A (p.Ala152Thr)

Gene: LCT (lactase; minus strand). Cytogenetic location: 2q21.3.
Variant type: single nucleotide variant.
Coding change: c.454G>A on transcript NM_002299.4 (MANE Select); coding-DNA position 454, G replaced by A.
Protein change: p.Ala152Thr; replaces alanine 152 with threonine.
Molecular consequence: missense variant.
Genome position (GRCh38, 1-based): chr2:135,836,716, C>T on the plus strand (G>A on the coding strand, the complement: LCT is on the minus strand). VCF-style: chr2-135836716-C-T. GRCh37 (hg19) VCF-style: chr2-136594286-C-T.
Other names: c.454G>A (LRG_338t1); short protein forms A152T.
Identifiers: ClinVar variation 331211 (VCV000331211.18), dbSNP rs114525655, ClinGen allele CA1888630.
Genomic context (GRCh38, chr2:135,836,716, plus strand): 5'-AGGTGAACCAGATCCCAACTAGGTCCCCGAAGGAGTGGAAGGCGAATGTGGCATAGTCGG[C>T]GAAGAGGTCAGCAAAGGCTTCGGTTCTCCGGAGGGTGCTGGCAGGGAGGGTCTGGTGGTG-3'
Protein context (NP_002290.2, residues 142-162): RRTEAFADLF[Ala152Thr]DYATFAFHSF

ClinVar aggregate classification (germline): Benign/Likely benign. Review status: criteria provided, multiple submitters, no conflicts (2 of 4 stars). 4 submissions from 4 submitters: Benign (3); Likely benign (1). Last evaluated 2026-01-28.

Conditions:
Congenital lactase deficiency. Also called: ALACTASIA, CONGENITAL; DISACCHARIDE INTOLERANCE II. Identifiers: Orphanet 53690, MedGen C0268179, MONDO:0009115, OMIM 223000.

Allele frequency attached by ClinVar (database versions not stated): gnomAD exomes 0.00342; ExAC 0.00438; gnomAD 0.01241 and 0.01314; ESP Exome Variant Server 0.01392; TOPMed 0.01509; 1000 Genomes Project 0.01717; 1000 Genomes Project 30x 0.01874.
gnomAD v4.1: 3,736 of 1,614,100 alleles (0.23%); highest among the groups gnomAD compares: African/African-American, 4.3%; 74 homozygotes.

Submissions (4):

Labcorp Genetics (formerly Invitae), Labcorp
Classification: Benign. Last evaluated: 2026-01-28. Review status: criteria provided, single submitter. Criteria: Invitae Variant Classification Sherloc (09022015). Collection method: clinical testing. Allele origin: germline.

Fulgent Genetics
Classification: Benign for Congenital lactase deficiency. Last evaluated: 2021-10-18. Review status: criteria provided, single submitter. Criteria: ACMG Guidelines, 2015. Collection method: clinical testing. Allele origin: unknown.

Illumina Laboratory Services, Illumina
Classification: Benign for Congenital lactase deficiency. Last evaluated: 2018-01-12. Review status: criteria provided, single submitter. Criteria: ICSL Variant Classification Criteria 13 December 2019. Collection method: clinical testing. Allele origin: germline.
Comment: This variant was observed in the ICSL laboratory as part of a predisposition screen in an ostensibly healthy population. It had not been previously curated by ICSL or reported in the Human Gene Mutation Database (HGMD: prior to June 1st, 2018), and was therefore a candidate for classification through an automated scoring system. Utilizing variant allele frequency, disease prevalence and penetrance estimates, and inheritance mode, an automated score was calculated to assess if this variant is too frequent to cause the disease. Based on the score and internal cut-off values, a variant classified as benign is not then subjected to further curation. The score for this variant resulted in a classification of benign for this disease.

Breakthrough Genomics
Classification: Likely benign. Review status: criteria provided, single submitter. Criteria: ACMG Guidelines, 2015. Collection method: not provided. Allele origin: germline. Inheritance: Autosomal recessive inheritance. Affected: yes.